The following is an entry in ClinVar:

NM_000069.3(CACNA1S):c.5342C>T (p.Ala1781Val)

Gene: CACNA1S (calcium voltage-gated channel subunit alpha1 S; minus strand). Cytogenetic location: 1q32.1.
Variant type: single nucleotide variant.
Coding change: c.5342C>T on transcript NM_000069.3 (MANE Select); coding-DNA position 5342, C replaced by T.
Protein change: p.Ala1781Val; replaces alanine 1781 with valine.
Molecular consequence: missense variant.
Genome position (GRCh38, 1-based): chr1:201,040,259, G>A on the plus strand (C>T on the coding strand, the complement: CACNA1S is on the minus strand). VCF-style: chr1-201040259-G-A. GRCh37 (hg19) VCF-style: chr1-201009387-G-A.
Other names: short protein forms A1781V.
Identifiers: ClinVar variation 3070159 (VCV003070159.1), dbSNP rs2464389887, ClinGen allele CA344130439.
Genomic context (GRCh38, chr1:201,040,259, plus strand): 5'-CAGCCACTGCTGTGACCCAGCCCCTGGCTCACCTTTTGGATCAGCAGGGCTGTAGCTGGT[G>A]CTGAGCACCTGGAAGTATTCTCCCTGGTGCTCCTGCTGTGGGGTGTCTCCTCATGAAGAG-3'
Protein context (NP_000060.2, residues 1771-1791): STRENTSRCS[Ala1781Val]PATALLIQKA

ClinVar aggregate classification (germline): Uncertain significance (1 of 4 stars; one submission).

Conditions:
Malignant hyperthermia, susceptibility to, 5 (MHS5). Also called: CACNA1S-Related Malignant Hyperthermia Susceptibility. Identifiers: Orphanet 423, MedGen C1866077, MONDO:0011163, OMIM 601887.

Allele frequency attached by ClinVar (database versions not stated): gnomAD exomes below 0.00001.
gnomAD v4.1: 1 of 1,613,756 alleles (0.000062%); highest among the groups gnomAD compares: Non-Finnish European, 0.000085%; no homozygotes.

Submission:

All of Us Research Program, National Institutes of Health
Classification: Uncertain significance for Malignant hyperthermia, susceptibility to, 5. Last evaluated: 2023-04-03. Review status: criteria provided, single submitter. Criteria: ACMG Guidelines, 2015. Collection method: clinical testing. Allele origin: germline. Inheritance: Autosomal dominant inheritance. Observed: 1 variant allele, 1 heterozygote.
Comment: This missense variant replaces alanine with valine at codon 1781 of the CACNA1S protein. Computational prediction suggests that this variant may not impact protein structure and function (internally defined REVEL score threshold <= 0.5, PMID: 27666373). To our knowledge, functional studies have not been reported for this variant. This variant has not been reported in individuals affected with CACNA1S-related disorders in the literature. This variant has not been identified in the general population by the Genome Aggregation Database (gnomAD). The available evidence is insufficient to determine the role of this variant in disease conclusively. Therefore, this variant is classified as a Variant of Uncertain Significance.

This study involves interpretation of variants in research participants for the purpose of population health screening. Participant phenotype was not available at the time of variant classification. Additional details can be found in publication PMID: 35346344, PMCID: PMC8962531